The following is an entry in ClinVar:

NM_012431.3(SEMA3E):c.1347C>T (p.Asp449=)

Gene: SEMA3E (semaphorin 3E; minus strand). Cytogenetic location: 7q21.11.
Variant type: single nucleotide variant.
Coding change: c.1347C>T on transcript NM_012431.3 (MANE Select); coding-DNA position 1347, C replaced by T.
Protein change: p.Asp449=; no amino-acid change (aspartic acid 449 retained).
Molecular consequence: synonymous variant.
Genome position (GRCh38, 1-based): chr7:83,400,047, G>A on the plus strand (C>T on the coding strand, the complement: SEMA3E is on the minus strand). VCF-style: chr7-83400047-G-A. GRCh37 (hg19) VCF-style: chr7-83029363-G-A.
Other names: c.1167C>T, p.Asp389= (NM_001178129.2).
Identifiers: ClinVar variation 699807 (VCV000699807.44), dbSNP rs148072082, ClinGen allele CA4322061.

ClinVar aggregate classification (germline): Likely benign. Review status: criteria provided, multiple submitters, no conflicts (2 of 4 stars). 3 submissions from 3 submitters: Likely benign (2). 1 of the submissions does not count toward it. Last evaluated 2025-12-30.

Conditions:
SEMA3E-related disorder. Also called: SEMA3E-related condition.
CHARGE syndrome (CHARGE). Also called: Hittner Hirsch Kreh syndrome; CHARGE ASSOCIATION--COLOBOMA, HEART ANOMALY, CHOANAL ATRESIA, RETARDATION, GENITAL AND EAR ANOMALIES; Coloboma, heart anomaly, choanal atresia, retardation, genital and ear anomalies; CHARGE association; Hall-Hittner syndrome. Identifiers: Orphanet 138, MedGen C0265354, MONDO:0008965.

Allele frequency attached by ClinVar (database versions not stated): ExAC 0.00002; TOPMed 0.00010; 1000 Genomes Project 30x 0.00031; 1000 Genomes Project 0.00040.
gnomAD v4.1: 54 of 1,612,390 alleles (0.0033%); highest among the groups gnomAD compares: Admixed American, 0.032%; no homozygotes.

Submissions (3):

Labcorp Genetics (formerly Invitae), Labcorp
Classification: Likely benign for CHARGE syndrome. Last evaluated: 2025-12-30. Review status: criteria provided, single submitter. Criteria: Invitae Variant Classification Sherloc (09022015). Collection method: clinical testing. Allele origin: germline.

CeGaT Center for Human Genetics Tuebingen
Classification: Likely benign. Last evaluated: 2021-11-01. Review status: criteria provided, single submitter. Criteria: CeGaT Center For Human Genetics Tuebingen Variant Classification Criteria Version 2. Collection method: clinical testing. Allele origin: germline. Affected: yes. Observed: 1 variant allele.

PreventionGenetics, part of Exact Sciences
Classification: Likely benign for SEMA3E-related condition. Last evaluated: 2019-08-12. Review status: no assertion criteria provided. Collection method: clinical testing. Allele origin: germline. Not counted in ClinVar's aggregate classification.
Comment: This variant is classified as likely benign based on ACMG/AMP sequence variant interpretation guidelines (Richards et al. 2015 PMID: 25741868, with internal and published modifications).